The following is an entry in ClinVar:

NM_000435.3(NOTCH3):c.1223G>A (p.Cys408Tyr)

Gene: NOTCH3 (notch receptor 3; minus strand). Cytogenetic location: 19p13.12.
Variant type: single nucleotide variant.
Coding change: c.1223G>A on transcript NM_000435.3 (MANE Select); coding-DNA position 1223, G replaced by A.
Protein change: p.Cys408Tyr; replaces cysteine 408 with tyrosine.
Molecular consequence: missense variant.
Genome position (GRCh38, 1-based): chr19:15,189,144, C>T on the plus strand (G>A on the coding strand, the complement: NOTCH3 is on the minus strand). VCF-style: chr19-15189144-C-T. GRCh37 (hg19) VCF-style: chr19-15299955-C-T.
Other names: short protein forms C408Y.
Identifiers: ClinVar variation 2684123 (VCV002684123.1), dbSNP rs2145436468, ClinGen allele CA404528360.

ClinVar aggregate classification (germline): Pathogenic (1 of 4 stars; one submission).

Submission:

Athena Diagnostics
Classification: Pathogenic. Last evaluated: 2023-08-29. Review status: criteria provided, single submitter. Criteria: Athena Diagnostics Criteria. Collection method: clinical testing. Allele origin: unknown.
Comment: This variant has been identified in at least one individual with clinical features associated with this gene. This variant has not been reported in large, multi-ethnic general populations. This variant alters a critical location within the protein, and is expected to severely affect function and cause disease. Greater than 90% of NOTCH3 pathogenic variants associated with CADASIL involve the gain or loss of a cysteine residue within the epidermal growth factor (EGF)-like repeat domain (PMID: 32457593, 20301673).

Literature cited by the submitters: PubMed 26308724.